The following is an entry in ClinVar:

ClinVar aggregate classification (germline): Pathogenic (1 of 4 stars; one submission).

Conditions:
Recessive dystrophic epidermolysis bullosa (RDEB). Also called: DYSTROPHIC EPIDERMOLYSIS BULLOSA, AUTOSOMAL RECESSIVE; EPIDERMOLYSIS BULLOSA DYSTROPHICA, HALLOPEAU-SIEMENS TYPE; Hallopeau-Siemens Disease; severe generalized recessive dystrophic epidermolysis bullosa; EPIDERMOLYSIS BULLOSA DYSTROPHICA, GENERALIZED SEVERE, AUTOSOMAL RECESSIVE; Epidermolysis Bullosa Distrophica Autosomal Recessive (RDEB). Identifiers: Orphanet 79408, Orphanet 79409, MedGen C0079474, MONDO:0009179, OMIM 226600.

Submission:

Myriad Genetics, Inc.
Classification: Pathogenic for Recessive dystrophic epidermolysis bullosa. Last evaluated: 2024-09-07. Review status: criteria provided, single submitter. Criteria: Myriad Autosomal Dominant, Autosomal Recessive and X-Linked Classification Criteria (2023). Collection method: clinical testing. Allele origin: unknown.
Comment: NM_000094.3(COL7A1):c.2923_2924insA(A975Dfs*65) is expected to be pathogenic in the context of dystrophic epidermolysis bullosa. This variant is predicted to lead to an abnormal or absent protein product due to the creation of a premature termination codon in COL7A1, a gene where loss-of-function variants are known to be pathogenic. Please note: this variant was assessed in the context of healthy population screening.

NM_000094.4(COL7A1):c.2923_2924insA (p.Ala975fs)

Gene: COL7A1 (collagen type VII alpha 1 chain; minus strand). Cytogenetic location: 3p21.31.
Variant type: Insertion.
Coding change: c.2923_2924insA on transcript NM_000094.4 (MANE Select); coding-DNA positions 2923 to 2924, A inserted.
Protein change: p.Ala975fs; shifts the reading frame from alanine 975.
Molecular consequence: frameshift variant.
Genome position: GRCh38 VCF-style: chr3-48587488-G-GT. GRCh37 (hg19) VCF-style: chr3-48624921-G-GT.
Other names: short protein forms A975fs.
Identifiers: ClinVar variation 5013533 (VCV005013533.1).